The following is an entry in ClinVar:

ClinVar aggregate classification (germline): Uncertain significance (0 of 4 stars; one submission).

Conditions:
MYORG-related disorder. Also called: MYORG-related condition.

gnomAD v4.1: 20 of 1,612,262 alleles (0.0012%); highest among the groups gnomAD compares: Non-Finnish European, 0.0016%; no homozygotes.

Submission:

PreventionGenetics, part of Exact Sciences
Classification: Uncertain significance for MYORG-related condition. Last evaluated: 2024-03-25. Review status: no assertion criteria provided. Collection method: clinical testing. Allele origin: germline.
Comment: The MYORG c.1471A>C variant is predicted to result in the amino acid substitution p.Thr491Pro. To our knowledge, this variant has not been reported in the literature. This variant is reported in 0.0084% of alleles in individuals of African descent in gnomAD. At this time, the clinical significance of this variant is uncertain due to the absence of conclusive functional and genetic evidence.

NM_020702.5(MYORG):c.1471A>C (p.Thr491Pro)

Gene: MYORG (myogenesis regulating glycosidase; minus strand). Cytogenetic location: 9p13.3.
Variant type: single nucleotide variant.
Coding change: c.1471A>C on transcript NM_020702.5 (MANE Select); coding-DNA position 1471, A replaced by C.
Protein change: p.Thr491Pro; replaces threonine 491 with proline.
Molecular consequence: missense variant.
Genome position (GRCh38, 1-based): chr9:34,371,473, T>G on the plus strand (A>C on the coding strand, the complement: MYORG is on the minus strand). VCF-style: chr9-34371473-T-G. GRCh37 (hg19) VCF-style: chr9-34371471-T-G.
Other names: short protein forms T491P.
Identifiers: ClinVar variation 3357849 (VCV003357849.1).